The following is an entry in ClinVar:

NM_001134407.3(GRIN2A):c.*6128A>G

Gene: GRIN2A (glutamate ionotropic receptor NMDA type subunit 2A; minus strand). Cytogenetic location: 16p13.2.
Variant type: single nucleotide variant.
Coding change: c.*6128A>G on transcript NM_001134407.3 (MANE Select); 6128 bases downstream of the stop codon, A replaced by G.
Molecular consequence: 3 prime UTR variant.
Genome position (GRCh38, 1-based): chr16:9,757,021, T>C on the plus strand (A>G on the coding strand, the complement: GRIN2A is on the minus strand). VCF-style: chr16-9757021-T-C. GRCh37 (hg19) VCF-style: chr16-9850878-T-C.
Other names: c.*6128A>G (NM_000833.5); c.*6334A>G (NM_001134408.2).
Identifiers: ClinVar variation 321515 (VCV000321515.6), dbSNP rs9933624, ClinGen allele CA10649410.

ClinVar aggregate classification (germline): Benign. Review status: criteria provided, multiple submitters, no conflicts (2 of 4 stars). 2 submissions from 2 submitters: Benign (2). Last evaluated 2018-01-12.

Conditions:
Landau-Kleffner syndrome (FESD). Also called: EPILEPSY, FOCAL, WITH SPEECH DISORDER AND WITH OR WITHOUT MENTAL RETARDATION; APHASIA, ACQUIRED, WITH EPILEPSY. Identifiers: Orphanet 1945, Orphanet 725, Orphanet 98818, MedGen C0282512, MONDO:0009509, OMIM 245570.

Allele frequency attached by ClinVar (database versions not stated): gnomAD 0.40853; 1000 Genomes Project 30x 0.41458; 1000 Genomes Project 0.41733; TOPMed 0.39892; gnomAD exomes 0.43681.
gnomAD v4.1: 82,904 of 199,456 alleles (42%); highest among the groups gnomAD compares: South Asian, 55%; 17,620 homozygotes.

Submissions (2):

Illumina Laboratory Services, Illumina
Classification: Benign for Landau-Kleffner syndrome. Last evaluated: 2018-01-12. Review status: criteria provided, single submitter. Criteria: ICSL Variant Classification Criteria 13 December 2019. Collection method: clinical testing. Allele origin: germline.
Comment: This variant was observed in the ICSL laboratory as part of a predisposition screen in an ostensibly healthy population. It had not been previously curated by ICSL or reported in the Human Gene Mutation Database (HGMD: prior to June 1st, 2018), and was therefore a candidate for classification through an automated scoring system. Utilizing variant allele frequency, disease prevalence and penetrance estimates, and inheritance mode, an automated score was calculated to assess if this variant is too frequent to cause the disease. Based on the score and internal cut-off values, a variant classified as benign is not then subjected to further curation. The score for this variant resulted in a classification of benign for this disease.

Breakthrough Genomics
Classification: Benign. Review status: criteria provided, single submitter. Criteria: ACMG Guidelines, 2015. Collection method: not provided. Allele origin: germline. Inheritance: Autosomal dominant inheritance. Affected: yes.